The following is an entry in ClinVar:

ClinVar aggregate classification (germline): Uncertain significance (1 of 4 stars; one submission).

Allele frequency attached by ClinVar (database versions not stated): ExAC 0.00001; gnomAD 0.00001; gnomAD exomes 0.00001 and 0.00004; TOPMed 0.00001.

Submission:

Labcorp Genetics (formerly Invitae), Labcorp
Classification: Uncertain significance. Last evaluated: 2022-10-05. Review status: criteria provided, single submitter. Criteria: Invitae Variant Classification Sherloc (09022015). Collection method: clinical testing. Allele origin: germline.
Comment: This sequence change replaces aspartic acid, which is acidic and polar, with asparagine, which is neutral and polar, at codon 367 of the LCA5 protein (p.Asp367Asn). This variant is present in population databases (rs762427148, gnomAD 0.002%). This variant has not been reported in the literature in individuals affected with LCA5-related conditions. ClinVar contains an entry for this variant (Variation ID: 1490866). Algorithms developed to predict the effect of missense changes on protein structure and function output the following: SIFT: "Tolerated"; PolyPhen-2: "Benign"; Align-GVGD: "Class C0". The asparagine amino acid residue is found in multiple mammalian species, which suggests that this missense change does not adversely affect protein function. Algorithms developed to predict the effect of sequence changes on RNA splicing suggest that this variant may disrupt the consensus splice site. In summary, the available evidence is currently insufficient to determine the role of this variant in disease. Therefore, it has been classified as a Variant of Uncertain Significance.

NM_001122769.3(LCA5):c.1099G>A (p.Asp367Asn)

Gene: LCA5 (lebercilin LCA5; minus strand). Cytogenetic location: 6q14.1.
Variant type: single nucleotide variant.
Coding change: c.1099G>A on transcript NM_001122769.3 (MANE Select); coding-DNA position 1099, G replaced by A.
Protein change: p.Asp367Asn; replaces aspartic acid 367 with asparagine.
Molecular consequence: missense variant.
Genome position (GRCh38, 1-based): chr6:79,489,216, C>T on the plus strand (G>A on the coding strand, the complement: LCA5 is on the minus strand). VCF-style: chr6-79489216-C-T. GRCh37 (hg19) VCF-style: chr6-80198933-C-T.
Other names: c.1099G>A, p.Asp367Asn (NM_181714.4); short protein forms D367N.
Identifiers: ClinVar variation 1490866 (VCV001490866.3), dbSNP rs762427148, ClinGen allele CA3900913.
Genomic context (GRCh38, chr6:79,489,216, plus strand): 5'-CCATAATTGGGTTTAGAATCCCTGCTTCTCCATGCCTGTCTTGCTTTTGAGATTGCAAGT[C>T]CTATTATACGTTAAAAAAAATGCAAGTTCACAAATTATAGAAAAGGGGGGGAACTAAGCA-3'
Protein context (NP_001116241.1, residues 357-377): KWEEPGHLTL[Asp367Asn]LQSQKQDRHG